The following is an entry in ClinVar:

NM_181784.3(SPRED2):c.27-20T>G

Gene: SPRED2 (sprouty related EVH1 domain containing 2; minus strand). Cytogenetic location: 2p14.
Variant type: single nucleotide variant.
Coding change: c.27-20T>G on transcript NM_181784.3 (MANE Select); 20 bases into the intron before coding-DNA position 27, T replaced by G.
Molecular consequence: intron variant.
Genome position (GRCh38, 1-based): chr2:65,344,916, A>C on the plus strand (T>G on the coding strand, the complement: SPRED2 is on the minus strand). VCF-style: chr2-65344916-A-C. GRCh37 (hg19) VCF-style: chr2-65572050-A-C.
Other names: NC_000002.11:g.65572050A>C; c.18-20T>G (NM_001128210.2).
Identifiers: ClinVar variation 4515625 (VCV004515625.2).
Genomic context (GRCh38, chr2:65,344,916, plus strand): 5'-TGGTCATAACCACAGCCTTGACACGCACAATATAGCTGTCACTAAAACGACAAGAAGAAG[A>C]AGCACAGGGCATGACAATGGTCTGGTAGTTGCAGAACACGTTTCAAAATGCAAGATGACC-3'

ClinVar aggregate classification (germline): Benign (1 of 4 stars; one submission).

gnomAD v4.1: 10,992 of 1,608,820 alleles (0.68%); highest among the groups gnomAD compares: African/African-American, 8%; 266 homozygotes.

Submissions (10):

Women's Health and Genetics/Laboratory Corporation of America, LabCorp
Classification: Benign. Last evaluated: 2026-06-05. Review status: criteria provided, single submitter. Criteria: LabCorp Variant Classification Summary - May 2015. Collection method: clinical testing. Allele origin: germline.
Comment: Variant summary: SPRED2 c.27-20T>G alters a conserved nucleotide located at a position not widely known to affect splicing. Consensus agreement among computation tools predict no significant impact on normal splicing. However, these predictions have yet to be confirmed by functional studies. The variant allele was found at a frequency of 0.0082 in 249020 control chromosomes in the gnomAD database, including 68 homozygotes. The observed variant frequency exceeds the estimated maximal expected allele frequency for disease-causing variants in SPRED2. To our knowledge, no occurrence of c.27-20T>G in individuals affected with SPRED2-related conditions and no experimental evidence demonstrating its impact on protein function have been reported. ClinVar contains an entry for this variant (Variation ID: 4515625). Based on the evidence outlined above, the variant was classified as benign.

Dr. Peter K. Rogan Lab, Western University
No classification provided (evidence only). Condition: Lung cancer. Review status: no classification provided. Collection method: in vitro. Allele origin: not applicable. Functional consequence: skipped exon. Not counted in ClinVar's aggregate classification.

Dr. Peter K. Rogan Lab, Western University
No classification provided (evidence only). Condition: Lung cancer. Review status: no classification provided. Collection method: in vitro. Allele origin: not applicable. Functional consequence: retained intron. Not counted in ClinVar's aggregate classification.

Dr. Peter K. Rogan Lab, Western University
No classification provided (evidence only). Condition: Acute myeloid leukemia. Review status: no classification provided. Collection method: in vitro. Allele origin: not applicable. Functional consequence: retained intron. Not counted in ClinVar's aggregate classification.

Dr. Peter K. Rogan Lab, Western University
No classification provided (evidence only). Condition: Cervical cancer. Review status: no classification provided. Collection method: in vitro. Allele origin: not applicable. Functional consequence: skipped exon. Not counted in ClinVar's aggregate classification.

Dr. Peter K. Rogan Lab, Western University
No classification provided (evidence only). Condition: Cervical cancer. Review status: no classification provided. Collection method: in vitro. Allele origin: not applicable. Functional consequence: retained intron. Not counted in ClinVar's aggregate classification.

Dr. Peter K. Rogan Lab, Western University
No classification provided (evidence only). Condition: Gastric cancer. Review status: no classification provided. Collection method: in vitro. Allele origin: not applicable. Functional consequence: retained intron. Not counted in ClinVar's aggregate classification.

Dr. Peter K. Rogan Lab, Western University
No classification provided (evidence only). Condition: Malignant tumor of esophagus. Review status: no classification provided. Collection method: in vitro. Allele origin: not applicable. Functional consequence: retained intron. Not counted in ClinVar's aggregate classification.

Dr. Peter K. Rogan Lab, Western University
No classification provided (evidence only). Condition: Malignant tumor of esophagus. Review status: no classification provided. Collection method: in vitro. Allele origin: not applicable. Functional consequence: skipped exon, retained intron. Not counted in ClinVar's aggregate classification.

Dr. Peter K. Rogan Lab, Western University
No classification provided (evidence only). Condition: Hepatocellular carcinoma. Review status: no classification provided. Collection method: in vitro. Allele origin: not applicable. Functional consequence: skipped exon. Not counted in ClinVar's aggregate classification.